The following is an entry in ClinVar:

NM_000260.4(MYO7A):c.6068T>A (p.Leu2023His)

Gene: MYO7A (myosin VIIA; plus strand). Cytogenetic location: 11q13.5.
Variant type: single nucleotide variant.
Coding change: c.6068T>A on transcript NM_000260.4 (MANE Select); coding-DNA position 6068, T replaced by A.
Protein change: p.Leu2023His; replaces leucine 2023 with histidine.
Molecular consequence: missense variant.
Genome position (GRCh38, 1-based): chr11:77,211,168, T>A. VCF-style: chr11-77211168-T-A. GRCh37 (hg19) VCF-style: chr11-76922213-T-A.
Other names: c.5954T>A, p.Leu1985His (NM_001127180.2); c.5921T>A, p.Leu1974His (NM_001369365.1); short protein forms L2023H, L1974H, L1985H.
Identifiers: ClinVar variation 2878778 (VCV002878778.3), dbSNP rs2497798255, ClinGen allele CA381935518.

ClinVar aggregate classification (germline): Uncertain significance (1 of 4 stars; one submission).

Allele frequency attached by ClinVar (database versions not stated): gnomAD exomes below 0.00001.
gnomAD v4.1: 1 of 1,584,190 alleles (0.000063%); highest among the groups gnomAD compares: Non-Finnish European, 0.000086%; no homozygotes.

Submission:

Labcorp Genetics (formerly Invitae), Labcorp
Classification: Uncertain significance. Last evaluated: 2023-11-10. Review status: criteria provided, single submitter. Criteria: Invitae Variant Classification Sherloc (09022015). Collection method: clinical testing. Allele origin: germline.
Comment: This sequence change replaces leucine, which is neutral and non-polar, with histidine, which is basic and polar, at codon 2023 of the MYO7A protein (p.Leu2023His). This variant is not present in population databases (gnomAD no frequency). This variant has not been reported in the literature in individuals affected with MYO7A-related conditions. Advanced modeling of protein sequence and biophysical properties (such as structural, functional, and spatial information, amino acid conservation, physicochemical variation, residue mobility, and thermodynamic stability) performed at Invitae indicates that this missense variant is expected to disrupt MYO7A protein function with a positive predictive value of 95%. In summary, the available evidence is currently insufficient to determine the role of this variant in disease. Therefore, it has been classified as a Variant of Uncertain Significance.